The following is an entry in ClinVar:

ClinVar aggregate classification (germline): Uncertain significance (1 of 4 stars; one submission).

Conditions:
Inborn genetic diseases. Identifiers: MedGen C0950123, MeSH D030342.

Submission:

Ambry Genetics
Classification: Uncertain significance for Inborn genetic diseases. Last evaluated: 2026-02-15. Review status: criteria provided, single submitter. Criteria: Ambry Variant Classification Scheme 2023. Collection method: clinical testing. Allele origin: germline.
Comment: The p.P445L variant (also known as c.1334C>T), located in coding exon 6 of the SH2B3 gene, results from a C to T substitution at nucleotide position 1334. The proline at codon 445 is replaced by leucine, an amino acid with similar properties. This amino acid position is conserved. In addition, this alteration is predicted to be deleterious by in silico analysis. Based on the available evidence, the clinical significance of this variant remains unclear.

NM_005475.3(SH2B3):c.1334C>T (p.Pro445Leu)

Gene: SH2B3 (SH2B adaptor protein 3; plus strand). Cytogenetic location: 12q24.12.
Variant type: single nucleotide variant.
Coding change: c.1334C>T on transcript NM_005475.3 (MANE Select); coding-DNA position 1334, C replaced by T.
Protein change: p.Pro445Leu; replaces proline 445 with leucine.
Molecular consequence: missense variant.
Genome position (GRCh38, 1-based): chr12:111,447,753, C>T. VCF-style: chr12-111447753-C-T. GRCh37 (hg19) VCF-style: chr12-111885557-C-T.
Other names: c.728C>T, p.Pro243Leu (NM_001291424.1); short protein forms P243L, P445L.
Identifiers: ClinVar variation 4824364 (VCV004824364.1).